The following is an entry in ClinVar:

NM_001042472.3(ABHD12):c.301A>G (p.Ile101Val)

Gene: ABHD12 (abhydrolase domain containing 12, lysophospholipase; minus strand). Cytogenetic location: 20p11.21.
Variant type: single nucleotide variant.
Coding change: c.301A>G on transcript NM_001042472.3 (MANE Select); coding-DNA position 301, A replaced by G.
Protein change: p.Ile101Val; replaces isoleucine 101 with valine.
Molecular consequence: missense variant.
Genome position (GRCh38, 1-based): chr20:25,339,242, T>C on the plus strand (A>G on the coding strand, the complement: ABHD12 is on the minus strand). VCF-style: chr20-25339242-T-C. GRCh37 (hg19) VCF-style: chr20-25319878-T-C.
Other names: c.301A>G, p.Ile101Val (NM_015600.5); short protein forms I101V.
Identifiers: ClinVar variation 1934362 (VCV001934362.4), dbSNP rs1237831913, ClinGen allele CA408445625.

ClinVar aggregate classification (germline): Uncertain significance (1 of 4 stars; one submission).

Allele frequency attached by ClinVar (database versions not stated): gnomAD 0.00001; TOPMed 0.00001.
gnomAD v4.1: 1 of 1,613,706 alleles (0.000062%); highest among the groups gnomAD compares: Non-Finnish European, 0.000085%; no homozygotes.

Submission:

Labcorp Genetics (formerly Invitae), Labcorp
Classification: Uncertain significance. Last evaluated: 2022-03-20. Review status: criteria provided, single submitter. Criteria: Invitae Variant Classification Sherloc (09022015). Collection method: clinical testing. Allele origin: germline.
Comment: This sequence change replaces isoleucine, which is neutral and non-polar, with valine, which is neutral and non-polar, at codon 101 of the ABHD12 protein (p.Ile101Val). This variant is not present in population databases (gnomAD no frequency). This variant has not been reported in the literature in individuals affected with ABHD12-related conditions. Algorithms developed to predict the effect of missense changes on protein structure and function (SIFT, PolyPhen-2, Align-GVGD) all suggest that this variant is likely to be tolerated. In summary, the available evidence is currently insufficient to determine the role of this variant in disease. Therefore, it has been classified as a Variant of Uncertain Significance.